The following is an entry in ClinVar:

ClinVar aggregate classification (germline): Pathogenic/Likely pathogenic. Review status: criteria provided, multiple submitters, no conflicts (2 of 4 stars). 4 submissions from 4 submitters: Pathogenic (1); Likely pathogenic (3). Last evaluated 2026-04-14.

Conditions:
Familial intrahepatic cholestasis. Identifiers: Orphanet 284385, MedGen CN296401, MONDO:0017290.
Progressive familial intrahepatic cholestasis type 2. Identifiers: Orphanet 79304, MedGen C3489789, MONDO:0011156, OMIM 601847.
Familial intrahepatic cholestasis type 2.

Submissions (4):

Genomenon, Inc
Classification: Likely pathogenic for Familial intrahepatic cholestasis. Last evaluated: 2026-04-14. Review status: criteria provided, single submitter. Criteria: Genomenon Sequence Variant Interpretation Standards - Updated. Collection method: curation. Allele origin: germline. Affected: yes.
Comment: ABCB11 p.Arg1128Gly (c.3382C>G) is a missense variant that changes the amino acid at residue 1128 from Arginine to Glycine. This variant has been observed in at least one proband with an ABCB11-related disorder (PMID:39143102;37697751;31335238). It has been observed in trans with a pathogenic or likely pathogenic variant (PMID:37697751). It is absent or not present at a significant frequency in gnomAD. In silico models predict that this variant is possibly or probably damaging. In conclusion, we classify ABCB11 p.Arg1128Gly (c.3382C>G) as a likely pathogenic variant.

Natera, Inc.
Classification: Likely pathogenic for Progressive familial intrahepatic cholestasis type 2. Last evaluated: 2024-11-07. Review status: criteria provided, single submitter. Criteria: Natera Variant Classification Schema (03/2026). Collection method: clinical testing. Allele origin: germline.
Comment: The c.3382C>G variant in ABCB11 is a missense variant predicted to cause substitution of arginine to glycine at amino acid 1128. This variant is rare in the general population with a frequency below the threshold expected for the associated phenotype(s). This variant has been observed in one or more individuals affected with the associated recessive disease, as either homozygous or compound heterozygous with a second variant (PMID: 33083013). A different variant at the same position has been determined to be Pathogenic or Likely Pathogenic. Computational prediction algorithms indicate this variant is likely to affect gene or protein function. Given the available evidence, this variant is classified as Likely Pathogenic.

Rolfs Rare Disease Consulting, Rolfs Consulting Und Verwaltungs GmbH
Classification: Pathogenic for Progressive familial intrahepatic cholestasis type 2. Last evaluated: 2021-01-01. Review status: criteria provided, single submitter. Criteria: ACMG Guidelines, 2015. Collection method: clinical testing. Allele origin: germline. Affected: yes.

CENTOGENE GmbH and LLC - Guiding Precision Medicine
Classification: Likely pathogenic for Familial intrahepatic cholestasis type 2. Review status: criteria provided, single submitter. Criteria: ACMG Guidelines, 2015. Collection method: clinical testing. Allele origin: germline. Affected: yes.

Literature cited by the submitters: PubMed 39143102 (cited by Genomenon, Inc); PubMed 37697751 (cited by Genomenon, Inc); PubMed 31335238 (cited by Genomenon, Inc); PubMed 33083013 (cited by Natera, Inc.).

NM_003742.4(ABCB11):c.3382C>G (p.Arg1128Gly)

Gene: ABCB11 (ATP binding cassette subfamily B member 11; minus strand). Cytogenetic location: 2q31.1.
Variant type: single nucleotide variant.
Coding change: c.3382C>G on transcript NM_003742.4 (MANE Select); coding-DNA position 3382, C replaced by G.
Protein change: p.Arg1128Gly; replaces arginine 1128 with glycine.
Molecular consequence: missense variant.
Genome position (GRCh38, 1-based): chr2:168,930,694, G>C on the plus strand (C>G on the coding strand, the complement: ABCB11 is on the minus strand). VCF-style: chr2-168930694-G-C. GRCh37 (hg19) VCF-style: chr2-169787204-G-C.
Other names: short protein forms R1128G.
Identifiers: ClinVar variation 973515 (VCV000973515.4), dbSNP rs764581483, ClinGen allele CA1951043.